The following is an entry in ClinVar:

ClinVar aggregate classification (germline): Uncertain significance (1 of 4 stars; one submission).

Allele frequency attached by ClinVar (database versions not stated): gnomAD 0.00001 and 0.00003; ExAC 0.00003; gnomAD exomes 0.00004; TOPMed 0.00004; ESP Exome Variant Server 0.00008.
gnomAD v4.1: 27 of 1,608,366 alleles (0.0017%); highest among the groups gnomAD compares: Middle Eastern, 0.016%; 1 homozygote.

Submission:

Labcorp Genetics (formerly Invitae), Labcorp
Classification: Uncertain significance. Last evaluated: 2022-09-01. Review status: criteria provided, single submitter. Criteria: Invitae Variant Classification Sherloc (09022015). Collection method: clinical testing. Allele origin: germline.
Comment: This variant is present in population databases (rs372335743, gnomAD 0.009%). This sequence change replaces isoleucine, which is neutral and non-polar, with methionine, which is neutral and non-polar, at codon 239 of the SLC6A19 protein (p.Ile239Met). This variant has not been reported in the literature in individuals affected with SLC6A19-related conditions. In summary, the available evidence is currently insufficient to determine the role of this variant in disease. Therefore, it has been classified as a Variant of Uncertain Significance. Algorithms developed to predict the effect of missense changes on protein structure and function are either unavailable or do not agree on the potential impact of this missense change (SIFT: "Deleterious"; PolyPhen-2: "Probably Damaging"; Align-GVGD: "Class C0"). ClinVar contains an entry for this variant (Variation ID: 1385061).

NM_001003841.3(SLC6A19):c.717C>G (p.Ile239Met)

Gene: SLC6A19 (solute carrier family 6 member 19; plus strand). Cytogenetic location: 5p15.33.
Variant type: single nucleotide variant.
Coding change: c.717C>G on transcript NM_001003841.3 (MANE Select); coding-DNA position 717, C replaced by G.
Protein change: p.Ile239Met; replaces isoleucine 239 with methionine.
Molecular consequence: missense variant.
Genome position (GRCh38, 1-based): chr5:1,213,516, C>G. VCF-style: chr5-1213516-C-G. GRCh37 (hg19) VCF-style: chr5-1213631-C-G.
Other names: short protein forms I239M.
Identifiers: ClinVar variation 1385061 (VCV001385061.4), dbSNP rs372335743, ClinGen allele CA3182843.